The following is an entry in ClinVar:

NM_138425.4(C12orf57):c.-28C>T

Gene: C12orf57 (chromosome 12 open reading frame 57; plus strand). Cytogenetic location: 12p13.31.
Variant type: single nucleotide variant.
Coding change: c.-28C>T on transcript NM_138425.4 (MANE Select); 28 bases upstream of the start codon, C replaced by T.
Molecular consequence: 5 prime UTR variant. On other transcripts: non-coding transcript variant (1), intron variant (2).
Genome position (GRCh38, 1-based): chr12:6,944,094, C>T. VCF-style: chr12-6944094-C-T. GRCh37 (hg19) VCF-style: chr12-7053257-C-T.
Other names: c.-28C>T (NM_001301837.2); c.-229C>T (NM_001301838.2); c.14-382C>T (NM_001301836.2); c.-15-13C>T (NM_001301834.1).
Identifiers: ClinVar variation 1691662 (VCV001691662.3), dbSNP rs185601401, ClinGen allele CA6421131.

ClinVar aggregate classification (germline): Likely benign (1 of 4 stars; one submission).

Allele frequency attached by ClinVar (database versions not stated): ESP Exome Variant Server 0.00008; TOPMed 0.00074; ExAC 0.00114; 1000 Genomes Project 0.00260; 1000 Genomes Project 30x 0.00281; gnomAD 0.00053 and 0.00069.
gnomAD v4.1: 680 of 1,614,140 alleles (0.042%); highest among the groups gnomAD compares: East Asian, 0.78%; 5 homozygotes.

Submission:

GeneDx
Classification: Likely benign. Last evaluated: 2021-12-11. Review status: criteria provided, single submitter. Criteria: GeneDx Variant Classification Process June 2021. Collection method: clinical testing. Allele origin: germline. Affected: yes.
Comment: See Variant Classification Assertion Criteria.